The following is an entry in ClinVar:

ClinVar aggregate classification (germline): Uncertain significance (1 of 4 stars; one submission).

gnomAD v4.1: 3 of 1,614,182 alleles (0.00019%); highest among the groups gnomAD compares: East Asian, 0.0022%; no homozygotes.

Submission:

Labcorp Genetics (formerly Invitae), Labcorp
Classification: Uncertain significance. Last evaluated: 2022-06-13. Review status: criteria provided, single submitter. Criteria: Invitae Variant Classification Sherloc (09022015). Collection method: clinical testing. Allele origin: germline.
Comment: This sequence change replaces proline, which is neutral and non-polar, with threonine, which is neutral and polar, at codon 2203 of the CPLANE1 protein (p.Pro2203Thr). In summary, the available evidence is currently insufficient to determine the role of this variant in disease. Therefore, it has been classified as a Variant of Uncertain Significance. Advanced modeling of protein sequence and biophysical properties (such as structural, functional, and spatial information, amino acid conservation, physicochemical variation, residue mobility, and thermodynamic stability) performed at Invitae indicates that this missense variant is not expected to disrupt CPLANE1 protein function. This variant has not been reported in the literature in individuals affected with CPLANE1-related conditions. This variant is not present in population databases (gnomAD no frequency).

NM_001384732.1(CPLANE1):c.6607C>A (p.Pro2203Thr)

Gene: CPLANE1 (ciliogenesis and planar polarity effector complex subunit 1; minus strand). Cytogenetic location: 5p13.2.
Variant type: single nucleotide variant.
Coding change: c.6607C>A on transcript NM_001384732.1 (MANE Select); coding-DNA position 6607, C replaced by A.
Protein change: p.Pro2203Thr; replaces proline 2203 with threonine.
Molecular consequence: missense variant.
Genome position (GRCh38, 1-based): chr5:37,169,417, G>T on the plus strand (C>A on the coding strand, the complement: CPLANE1 is on the minus strand). VCF-style: chr5-37169417-G-T. GRCh37 (hg19) VCF-style: chr5-37169519-G-T.
Other names: c.6607C>A, p.Pro2203Thr (NM_023073.4); short protein forms P2203T.
Identifiers: ClinVar variation 1463612 (VCV001463612.8), dbSNP rs773750881, ClinGen allele CA359480212.